The following is an entry in ClinVar:

NM_005502.4(ABCA1):c.2543-3C>T

Gene: ABCA1 (ATP binding cassette subfamily A member 1; minus strand). Cytogenetic location: 9q31.1.
Variant type: single nucleotide variant.
Coding change: c.2543-3C>T on transcript NM_005502.4 (MANE Select); 3 bases into the intron before coding-DNA position 2543, C replaced by T.
Molecular consequence: intron variant.
Genome position (GRCh38, 1-based): chr9:104,824,581, G>A on the plus strand (C>T on the coding strand, the complement: ABCA1 is on the minus strand). VCF-style: chr9-104824581-G-A. GRCh37 (hg19) VCF-style: chr9-107586862-G-A.
Identifiers: ClinVar variation 1657879 (VCV001657879.18), dbSNP rs139457469, ClinGen allele CA5168692.
Genomic context (GRCh38, chr9:104,824,581, plus strand): 5'-CCAAACCAGTAGGACTTGGTGCAAGGAAAATACCAGGGCCTGGGAATTCCGTACTGGCCT[G>A]AAAGCAAAGCACAGGTATGAGCCAAGCTCAGCATCATCCCAGTATTCTGAGGGTTTCCCA-3'

ClinVar aggregate classification (germline): Conflicting classifications of pathogenicity. Review status: criteria provided, conflicting classifications (1 of 4 stars). 5 submissions from 5 submitters: Uncertain significance (1); Benign (1); Likely benign (2). 1 of the submissions does not count toward it. Last evaluated 2026-01-07.

Conditions:
Cardiovascular phenotype. Identifiers: MedGen CN230736.
ABCA1-related disorder. Also called: ABCA1-related condition; ABCA1-related disorders. Identifiers: MedGen CN239173.
Tangier disease (TGD). Also called: Cholesterol thesaurismosis; HIGH DENSITY LIPOPROTEIN DEFICIENCY, TANGIER TYPE; HIGH DENSITY LIPOPROTEIN DEFICIENCY, TYPE 1. Identifiers: Orphanet 31150, MedGen C0039292, MONDO:0008783, OMIM 205400.
Hypoalphalipoproteinemia, primary, 1. Identifiers: Orphanet 425, MedGen C5231558, MONDO:0011393, OMIM 604091.

Allele frequency attached by ClinVar (database versions not stated): gnomAD exomes 0.00017 and 0.00039; ExAC 0.00044; gnomAD 0.00153 and 0.00159; ESP Exome Variant Server 0.00169; TOPMed 0.00172; 1000 Genomes Project 0.00180; 1000 Genomes Project 30x 0.00203.
gnomAD v4.1: 491 of 1,613,414 alleles (0.03%); highest among the groups gnomAD compares: African/African-American, 0.59%; no homozygotes.

Submissions (6):

Labcorp Genetics (formerly Invitae), Labcorp
Classification: Likely benign. Last evaluated: 2026-01-07. Review status: criteria provided, single submitter. Criteria: Invitae Variant Classification Sherloc (09022015). Collection method: clinical testing. Allele origin: germline.

Women's Health and Genetics/Laboratory Corporation of America, LabCorp
Classification: Benign. Last evaluated: 2025-12-12. Review status: criteria provided, single submitter. Criteria: LabCorp Variant Classification Summary - May 2015. Collection method: clinical testing. Allele origin: germline.
Comment: Variant summary: ABCA1 c.2543-3C>T alters a nucleotide located close to a canonical splice site and therefore could affect mRNA splicing, leading to a significantly altered protein sequence. Consensus agreement among computation tools predict no significant impact on normal splicing. However, these predictions have yet to be confirmed by functional studies. The variant allele was found at a frequency of 0.00039 in 251320 control chromosomes, predominantly at a frequency of 0.0055 within the African or African-American subpopulation in the gnomAD database. The observed variant frequency within African or African-American control individuals in the gnomAD database exceeds the estimated maximal expected allele frequency for disease-causing variants in ABCA1. To our knowledge, no occurrence of c.2543-3C>T in individuals affected with ABCA1-related conditions and no experimental evidence demonstrating its impact on protein function have been reported. ClinVar contains an entry for this variant (Variation ID: 1657879). Based on the evidence outlined above, the variant was classified as benign.

New York Genome Center
Classification: Uncertain significance for Hypoalphalipoproteinemia, primary, 1; Tangier disease. Last evaluated: 2022-04-15. Review status: criteria provided, single submitter. Criteria: NYGC Assertion Criteria 2020. Collection method: clinical testing. Allele origin: germline. Observed: 1 heterozygote.

Ambry Genetics
Classification: Likely benign for Cardiovascular phenotype. Last evaluated: 2020-03-24. Review status: criteria provided, single submitter. Criteria: Ambry Variant Classification Scheme 2023. Collection method: clinical testing. Allele origin: germline.

PreventionGenetics, part of Exact Sciences
Classification: Likely benign for ABCA1-related condition. Last evaluated: 2024-05-14. Review status: no assertion criteria provided. Collection method: clinical testing. Allele origin: germline. Not counted in ClinVar's aggregate classification.
Comment: This variant is classified as likely benign based on ACMG/AMP sequence variant interpretation guidelines (Richards et al. 2015 PMID: 25741868, with internal and published modifications).

Dr. Peter K. Rogan Lab, Western University
No classification provided (evidence only). Condition: Thymoma. Review status: no classification provided. Collection method: in vitro. Allele origin: not applicable. Functional consequence: retained intron. Not counted in ClinVar's aggregate classification.